The following is an entry in ClinVar:

NM_021629.4(GNB4):c.471T>G (p.Ile157Met)

Gene: GNB4 (G protein subunit beta 4; minus strand). Cytogenetic location: 3q26.33.
Variant type: single nucleotide variant.
Coding change: c.471T>G on transcript NM_021629.4 (MANE Select); coding-DNA position 471, T replaced by G.
Protein change: p.Ile157Met; replaces isoleucine 157 with methionine.
Molecular consequence: missense variant.
Genome position (GRCh38, 1-based): chr3:179,413,741, A>C on the plus strand (T>G on the coding strand, the complement: GNB4 is on the minus strand). VCF-style: chr3-179413741-A-C. GRCh37 (hg19) VCF-style: chr3-179131529-A-C.
Other names: short protein forms I157M.
Identifiers: ClinVar variation 2772971 (VCV002772971.3), dbSNP rs1714716601, ClinGen allele CA355469756.
Genomic context (GRCh38, chr3:179,413,741, plus strand): 5'-ACCCATAATCAGTGTGCTTCTGGAATAAACTTACCAAGTTGTATCTCCTGAACTTGTAAC[A>C]ATTTGGCTGTCATCTAAAAAACGACAGCAGGACAAGTACCCTACAGCATAAAGAGTAGCA-3'
Protein context (NP_067642.1, residues 147-167): SCCRFLDDSQ[Ile157Met]VTSSGDTTCA

ClinVar aggregate classification (germline): Uncertain significance (1 of 4 stars; one submission).

Conditions:
Charcot-Marie-Tooth disease dominant intermediate F. Identifiers: Orphanet 352670, MedGen C4749463, MONDO:0014074, OMIM 615185.

Allele frequency attached by ClinVar (database versions not stated): gnomAD 0.00001.
gnomAD v4.1: 1 of 1,614,114 alleles (0.000062%); highest among the groups gnomAD compares: Admixed American, 0.0017%; no homozygotes.

Submission:

Labcorp Genetics (formerly Invitae), Labcorp
Classification: Uncertain significance for Charcot-Marie-Tooth disease dominant intermediate F. Last evaluated: 2025-03-10. Review status: criteria provided, single submitter. Criteria: Invitae Variant Classification Sherloc (09022015). Collection method: clinical testing. Allele origin: germline.
Comment: This sequence change replaces isoleucine, which is neutral and non-polar, with methionine, which is neutral and non-polar, at codon 157 of the GNB4 protein (p.Ile157Met). This variant is not present in population databases (gnomAD no frequency). This variant has not been reported in the literature in individuals affected with GNB4-related conditions. ClinVar contains an entry for this variant (Variation ID: 2772971). Invitae Evidence Modeling of protein sequence and biophysical properties (such as structural, functional, and spatial information, amino acid conservation, physicochemical variation, residue mobility, and thermodynamic stability) indicates that this missense variant is not expected to disrupt GNB4 protein function with a negative predictive value of 95%. In summary, the available evidence is currently insufficient to determine the role of this variant in disease. Therefore, it has been classified as a Variant of Uncertain Significance.